The following is an entry in ClinVar:

ClinVar aggregate classification (germline): Uncertain significance (1 of 4 stars; one submission).

gnomAD v4.1: 4 of 1,613,218 alleles (0.00025%); highest among the groups gnomAD compares: Non-Finnish European, 0.00034%; no homozygotes.

Submission:

Labcorp Genetics (formerly Invitae), Labcorp
Classification: Uncertain significance. Last evaluated: 2025-12-24. Review status: criteria provided, single submitter. Criteria: Invitae Variant Classification Sherloc (09022015). Collection method: clinical testing. Allele origin: germline.
Comment: This sequence change creates a premature translational stop signal (p.Glu874*) in the SAMD9 gene. While this is not anticipated to result in nonsense mediated decay, it is expected to disrupt the last 716 amino acid(s) of the SAMD9 protein. This variant is present in population databases (rs772677852, gnomAD 0.0009%). This variant has not been reported in the literature in individuals affected with SAMD9-related conditions. In summary, the available evidence is currently insufficient to determine the role of this variant in disease. Therefore, it has been classified as a Variant of Uncertain Significance.

NM_017654.4(SAMD9):c.2620G>T (p.Glu874Ter)

Gene: SAMD9 (sterile alpha motif domain containing 9; minus strand). Cytogenetic location: 7q21.2.
Variant type: single nucleotide variant.
Coding change: c.2620G>T on transcript NM_017654.4 (MANE Select); coding-DNA position 2620, G replaced by T.
Protein change: p.Glu874Ter; replaces glutamic acid 874 with a stop codon.
Molecular consequence: nonsense.
Genome position (GRCh38, 1-based): chr7:93,103,478, C>A on the plus strand (G>T on the coding strand, the complement: SAMD9 is on the minus strand). VCF-style: chr7-93103478-C-A. GRCh37 (hg19) VCF-style: chr7-92732791-C-A.
Other names: c.2620G>T, p.Glu874Ter (NM_001193307.2); short protein forms E874*.
Identifiers: ClinVar variation 4702856 (VCV004702856.1).
Genomic context (GRCh38, chr7:93,103,478, plus strand): 5'-TATTAAAATTGGTTTTCATGATCATAAAGGAATAAAAATCCTCAAAGTTTTTATGCTGTT[C>A]TTTGATTTCTTTCAATTTAAGCTCAAAAGCTCTCTGTTCTTTGGGAGAGAGTTGCTGTAT-3'